The following is an entry in ClinVar:

NM_000264.5(PTCH1):c.4094G>A (p.Cys1365Tyr)

Gene: PTCH1 (patched 1; minus strand). Cytogenetic location: 9q22.32.
Variant type: single nucleotide variant.
Coding change: c.4094G>A on transcript NM_000264.5 (MANE Select); coding-DNA position 4094, G replaced by A.
Protein change: p.Cys1365Tyr; replaces cysteine 1365 with tyrosine.
Molecular consequence: missense variant. On other transcripts: non-coding transcript variant (1).
Genome position (GRCh38, 1-based): chr9:95,447,162, C>T on the plus strand (G>A on the coding strand, the complement: PTCH1 is on the minus strand). VCF-style: chr9-95447162-C-T. GRCh37 (hg19) VCF-style: chr9-98209444-C-T.
Other names: c.3896G>A, p.Cys1299Tyr (NM_001083602.3); c.4091G>A, p.Cys1364Tyr (NM_001083603.3); c.3641G>A, p.Cys1214Tyr (NM_001083604.3, NM_001083605.3, NM_001083606.3 and 1 more transcripts); c.3938G>A, p.Cys1313Tyr (NM_001354918.2); short protein forms C1365Y, C1299Y, C1214Y, C1313Y, C1364Y.
Identifiers: ClinVar variation 569801 (VCV000569801.12), dbSNP rs1397510746, ClinGen allele CA374110329.

ClinVar aggregate classification (germline): Conflicting classifications of pathogenicity. Review status: criteria provided, conflicting classifications (1 of 4 stars). 2 submissions from 2 submitters: Uncertain significance (1); Likely benign (1). Last evaluated 2025-12-23.

Conditions:
Hereditary cancer-predisposing syndrome. Also called: Hereditary neoplastic syndrome; Neoplastic Syndromes, Hereditary; Hereditary Cancer Syndrome; Tumor predisposition. Identifiers: Orphanet 140162, MedGen C0027672, MeSH D009386, MONDO:0015356.
Gorlin syndrome. Also called: Nevoid Basal Cell Carcinoma Syndrome; Basal cell nevus syndrome. Identifiers: Orphanet 377, MedGen C0004779, MONDO:0007187.

Allele frequency attached by ClinVar (database versions not stated): gnomAD exomes below 0.00001 and 0.00001; TOPMed 0.00001.
gnomAD v4.1: 2 of 1,613,154 alleles (0.00012%); highest among the groups gnomAD compares: Non-Finnish European, 0.00017%; no homozygotes.

Submissions (2):

Labcorp Genetics (formerly Invitae), Labcorp
Classification: Likely benign for Gorlin syndrome. Last evaluated: 2025-12-23. Review status: criteria provided, single submitter. Criteria: Invitae Variant Classification Sherloc (09022015). Collection method: clinical testing. Allele origin: germline.

Ambry Genetics
Classification: Uncertain significance for Hereditary cancer-predisposing syndrome. Last evaluated: 2024-11-15. Review status: criteria provided, single submitter. Criteria: Ambry Variant Classification Scheme 2023. Collection method: clinical testing. Allele origin: germline.
Comment: The p.C1365Y variant (also known as c.4094G>A), located in coding exon 23 of the PTCH1 gene, results from a G to A substitution at nucleotide position 4094. The cysteine at codon 1365 is replaced by tyrosine, an amino acid with highly dissimilar properties. This amino acid position is well conserved in available vertebrate species. In addition, this alteration is predicted to be deleterious by in silico analysis. Since supporting evidence is limited at this time, the clinical significance of this alteration remains unclear.